The following is an entry in ClinVar:

ClinVar aggregate classification (germline): Uncertain significance (1 of 4 stars; one submission).

gnomAD v4.1: 11 of 1,613,928 alleles (0.00068%); highest among the groups gnomAD compares: African/African-American, 0.0027%; no homozygotes.

Submission:

Labcorp Genetics (formerly Invitae), Labcorp
Classification: Uncertain significance. Last evaluated: 2024-08-11. Review status: criteria provided, single submitter. Criteria: Invitae Variant Classification Sherloc (09022015). Collection method: clinical testing. Allele origin: germline.
Comment: This sequence change replaces valine, which is neutral and non-polar, with isoleucine, which is neutral and non-polar, at codon 338 of the CLCN6 protein (p.Val338Ile). This variant is present in population databases (rs375121549, gnomAD 0.01%). This variant has not been reported in the literature in individuals affected with CLCN6-related conditions. An algorithm developed to predict the effect of missense changes on protein structure and function outputs the following: PolyPhen-2: "Benign". The isoleucine amino acid residue is found in multiple mammalian species, which suggests that this missense change does not adversely affect protein function. In summary, the available evidence is currently insufficient to determine the role of this variant in disease. Therefore, it has been classified as a Variant of Uncertain Significance.

NM_001286.5(CLCN6):c.1012G>A (p.Val338Ile)

Gene: CLCN6 (chloride voltage-gated channel 6; plus strand). Cytogenetic location: 1p36.22.
Variant type: single nucleotide variant.
Coding change: c.1012G>A on transcript NM_001286.5 (MANE Select); coding-DNA position 1012, G replaced by A.
Protein change: p.Val338Ile; replaces valine 338 with isoleucine.
Molecular consequence: missense variant. On other transcripts: non-coding transcript variant (1).
Genome position (GRCh38, 1-based): chr1:11,828,515, G>A. VCF-style: chr1-11828515-G-A. GRCh37 (hg19) VCF-style: chr1-11888572-G-A.
Other names: c.946G>A, p.Val316Ile (NM_001256959.2); short protein forms V338I, V316I.
Identifiers: ClinVar variation 3675510 (VCV003675510.2).
Genomic context (GRCh38, chr1:11,828,515, plus strand): 5'-CAGTGCTCTGACTCTGATAAAAAATGTCATCTCTGGACAGCTATGGATTTGGGTTTCTTC[G>A]TCGTGATGGGGGTCATTGGGGGCCTCCTGGGAGCCACATTCAACTGTCTGAACAAGAGGC-3'
Protein context (NP_001277.2, residues 328-348): LWTAMDLGFF[Val338Ile]VMGVIGGLLG